The following is an entry in ClinVar:

NM_145117.5(NAV2):c.5011_5012del (p.Leu1672fs)

Gene: NAV2 (neuron navigator 2; plus strand). Cytogenetic location: 11p15.1.
Variant type: Microsatellite.
Coding change: c.5011_5012del on transcript NM_145117.5 (MANE Select); coding-DNA positions 5011 to 5012, 2 bases deleted (AG; older notation c.5011_5012delAG).
Protein change: p.Leu1672fs; shifts the reading frame from leucine 1672.
Molecular consequence: frameshift variant.
Genome position (GRCh38, 1-based): chr11:20,077,579-20,077,580, AG deleted; deleting any 2 consecutive bases within chr11:20,077,577-20,077,580 gives the same sequence; the c. name uses the placement nearest the transcript's 3' end. VCF-style (leftmost placement, unchanged base first): chr11-20077576-CAG-C. GRCh37 (hg19) VCF-style: chr11-20099122-CAG-C.
Other names: p.Leu1728Trpfs*2; c.4819_4820del, p.Leu1608fs (NM_001111018.2); c.2203_2204del, p.Leu736fs (NM_001111019.3); c.5179_5180del, p.Leu1728fs (NM_001244963.2); c.5011_5012del, p.Leu1672fs (NM_182964.6); c.5179_5180delAG (NM_001244963.2); short protein forms L1608fs, L1672fs, L1728fs, L736fs.
Identifiers: ClinVar variation 1690640 (VCV001690640.4), dbSNP rs2153657779, ClinGen allele CA2580615644.

ClinVar aggregate classification (germline): Uncertain significance (1 of 4 stars; one submission).

Conditions:
NAV2-related neurodevelopmental condition.

Submission:

Undiagnosed Diseases Network, NIH
Classification: Uncertain significance for NAV2-related neurodevelopmental condition. Last evaluated: 2018-02-06. Review status: criteria provided, single submitter. Criteria: ACMG Guidelines, 2015. Collection method: clinical testing. Allele origin: maternal. Inheritance: Autosomal recessive inheritance. Affected: yes. Observed: 1 variant allele, 1 compound heterozygote. Study: Undiagnosed Diseases Network (NIH), UDN.